The following is an entry in ClinVar:

NM_133261.3(GIPC3):c.906C>T (p.Ala302=)

Gene: GIPC3 (GIPC PDZ domain containing family member 3; plus strand). Cytogenetic location: 19p13.3.
Variant type: single nucleotide variant.
Coding change: c.906C>T on transcript NM_133261.3 (MANE Select); coding-DNA position 906, C replaced by T.
Protein change: p.Ala302=; no amino-acid change (alanine 302 retained).
Molecular consequence: synonymous variant.
Genome position (GRCh38, 1-based): chr19:3,590,157, C>T. VCF-style: chr19-3590157-C-T. GRCh37 (hg19) VCF-style: chr19-3590155-C-T.
Identifiers: ClinVar variation 281640 (VCV000281640.19), dbSNP rs140960269, ClinGen allele CA9080628.

ClinVar aggregate classification (germline): Conflicting classifications of pathogenicity. Review status: criteria provided, conflicting classifications (1 of 4 stars). 5 submissions from 5 submitters: Uncertain significance (1); Benign (3); Likely benign (1). Last evaluated 2025-10-02.

Conditions:
GIPC3-related disorder. Also called: GIPC3-related condition.

Allele frequency attached by ClinVar (database versions not stated): ExAC 0.00035; ESP Exome Variant Server 0.00062; 1000 Genomes Project 30x 0.00078; gnomAD 0.00086 and 0.00094; TOPMed 0.00093; 1000 Genomes Project 0.00100.

Submissions (5):

Labcorp Genetics (formerly Invitae), Labcorp
Classification: Benign. Last evaluated: 2025-10-02. Review status: criteria provided, single submitter. Criteria: Invitae Variant Classification Sherloc (09022015). Collection method: clinical testing. Allele origin: germline.

PreventionGenetics, part of Exact Sciences
Classification: Likely benign for GIPC3-related condition. Last evaluated: 2025-02-28. Review status: criteria provided, single submitter. Criteria: ACMG Guidelines, 2015. Collection method: clinical testing. Allele origin: germline.
Comment: This variant is classified as likely benign based on ACMG/AMP sequence variant interpretation guidelines (Richards et al. 2015 PMID: 25741868, with internal and published modifications).

GeneDx
Classification: Benign. Last evaluated: 2020-08-10. Review status: criteria provided, single submitter. Criteria: GeneDx Variant Classification Process June 2021. Collection method: clinical testing. Allele origin: germline. Affected: yes.

Laboratory for Molecular Medicine, Mass General Brigham Personalized Medicine
Classification: Benign. Last evaluated: 2016-11-17. Review status: criteria provided, single submitter. Criteria: LMM Criteria. Collection method: clinical testing. Allele origin: germline. Observed: 1 variant allele.
Comment: p.Ala302Ala in exon 06 of GIPC3: This variant is not expected to have clinical s ignificance because it does not alter an amino acid residue, is not located with in the splice consensus sequence, and has been identified in 0.3% (23/6794) of A frican chromosomes by the Exome Aggregation Consortium (ExAC; dbSNP rs140960269).

Eurofins Ntd Llc (ga)
Classification: Uncertain significance. Last evaluated: 2015-07-08. Review status: criteria provided, single submitter. Criteria: EGL Classification Definitions 2015. Collection method: clinical testing. Allele origin: germline. Observed: 2 variant alleles, 1 heterozygote.